The following is an entry in ClinVar:

NM_030930.4(UNC93B1):c.1492G>A (p.Ala498Thr)

Gene: UNC93B1 (unc-93B1 regulator of TLR signaling; minus strand). Cytogenetic location: 11q13.2.
Variant type: single nucleotide variant.
Coding change: c.1492G>A on transcript NM_030930.4 (MANE Select); coding-DNA position 1492, G replaced by A.
Protein change: p.Ala498Thr; replaces alanine 498 with threonine.
Molecular consequence: missense variant.
Genome position (GRCh38, 1-based): chr11:67,991,848, C>T on the plus strand (G>A on the coding strand, the complement: UNC93B1 is on the minus strand). VCF-style: chr11-67991848-C-T. GRCh37 (hg19) VCF-style: chr11-67759319-C-T.
Other names: short protein forms A498T.
Identifiers: ClinVar variation 1405251 (VCV001405251.3), dbSNP rs755301152, ClinGen allele CA6145364.
Genomic context (GRCh38, chr11:67,991,848, plus strand): 5'-GCTTCTGCTCCATCCGCAGGTAGGAGACCGCGGCCGCCACCAGCGTCACCAGCAGCACCG[C>T]CAGCTTAGCCTGGGCGTAAGGAGAGGGATGCCAGGGACCCGCGGCCGCCTCGCCCCGCAC-3'
Protein context (NP_112192.2, residues 488-508): GSSLHMKAKL[Ala498Thr]VLLVTLVAAA

ClinVar aggregate classification (germline): Uncertain significance (1 of 4 stars; one submission).

Conditions:
Encephalopathy, acute, infection-induced (herpes-specific), susceptibility to, 1. Also called: Herpes simplex encephalitis, susceptibility to, 1. Identifiers: Orphanet 1930, MedGen C2750180, MONDO:0024563, OMIM 610551.

Allele frequency attached by ClinVar (database versions not stated): ExAC 0.00010; gnomAD exomes 0.00004 and 0.00006; gnomAD 0.00003 and 0.00004.
gnomAD v4.1: 69 of 1,566,942 alleles (0.0044%); highest among the groups gnomAD compares: Non-Finnish European, 0.0054%; no homozygotes.

Submission:

Labcorp Genetics (formerly Invitae), Labcorp
Classification: Uncertain significance for Encephalopathy, acute, infection-induced (herpes-specific), susceptibility to, 1. Last evaluated: 2022-08-31. Review status: criteria provided, single submitter. Criteria: Invitae Variant Classification Sherloc (09022015). Collection method: clinical testing. Allele origin: germline.
Comment: This sequence change replaces alanine with threonine at codon 498 of the UNC93B1 protein (p.Ala498Thr). There is a small physicochemical difference between alanine and threonine. This variant is present in population databases (rs755301152, gnomAD 0.01%). This variant has not been reported in the literature in individuals affected with UNC93B1-related conditions. ClinVar contains an entry for this variant (Variation ID: 1405251). Experimental studies and prediction algorithms are not available or were not evaluated, and the functional significance of this variant is currently unknown. In summary, the available evidence is currently insufficient to determine the role of this variant in disease. Therefore, it has been classified as a Variant of Uncertain Significance.